The following is an entry in ClinVar:

ClinVar aggregate classification (germline): Uncertain significance (1 of 4 stars; one submission).

Submission:

GeneDx
Classification: Uncertain significance. Last evaluated: 2024-07-05. Review status: criteria provided, single submitter. Criteria: GeneDx Variant Classification Process June 2021. Collection method: clinical testing. Allele origin: germline. Affected: yes.
Comment: Not observed at significant frequency in large population cohorts (gnomAD); In silico analysis indicates that this missense variant does not alter protein structure/function; Has not been previously published as pathogenic or benign to our knowledge

NM_015570.4(AUTS2):c.2260G>A (p.Ala754Thr)

Gene: AUTS2 (activator of transcription and developmental regulator AUTS2; plus strand). Cytogenetic location: 7q11.22.
Variant type: single nucleotide variant.
Coding change: c.2260G>A on transcript NM_015570.4 (MANE Select); coding-DNA position 2260, G replaced by A.
Protein change: p.Ala754Thr; replaces alanine 754 with threonine.
Molecular consequence: missense variant.
Genome position (GRCh38, 1-based): chr7:70,785,990, G>A. VCF-style: chr7-70785990-G-A. GRCh37 (hg19) VCF-style: chr7-70250976-G-A.
Other names: c.2188G>A, p.Ala730Thr (NM_001127231.3); short protein forms A754T, A730T.
Identifiers: ClinVar variation 3572617 (VCV003572617.1).